The following is an entry in ClinVar:

NM_206937.2(LIG4):c.2444G>T (p.Arg815Leu)

Gene: LIG4 (DNA ligase 4; minus strand). Cytogenetic location: 13q33.3.
Variant type: single nucleotide variant.
Coding change: c.2444G>T on transcript NM_206937.2 (MANE Select); coding-DNA position 2444, G replaced by T.
Protein change: p.Arg815Leu; replaces arginine 815 with leucine.
Molecular consequence: missense variant.
Genome position (GRCh38, 1-based): chr13:108,208,825, C>A on the plus strand (G>T on the coding strand, the complement: LIG4 is on the minus strand). VCF-style: chr13-108208825-C-A. GRCh37 (hg19) VCF-style: chr13-108861173-C-A.
Other names: c.2444G>T, p.Arg815Leu (NM_001098268.2, NM_001352598.2, NM_001352599.2 and 6 more transcripts); c.2243G>T, p.Arg748Leu (NM_001330595.2); c.2480G>T, p.Arg827Leu (NM_001352604.2); short protein forms R748L, R815L, R827L.
Identifiers: ClinVar variation 1519395 (VCV001519395.8), dbSNP rs574090677, ClinGen allele CA7043498.

ClinVar aggregate classification (germline): Uncertain significance (1 of 4 stars; one submission).

Conditions:
DNA ligase IV deficiency. Identifiers: Orphanet 99812, MedGen C1847827, MONDO:0011686, OMIM 606593.

gnomAD v4.1: 9 of 1,613,914 alleles (0.00056%); highest among the groups gnomAD compares: Non-Finnish European, 0.00076%; no homozygotes.

Submission:

Labcorp Genetics (formerly Invitae), Labcorp
Classification: Uncertain significance for DNA ligase IV deficiency. Last evaluated: 2022-06-23. Review status: criteria provided, single submitter. Criteria: Invitae Variant Classification Sherloc (09022015). Collection method: clinical testing. Allele origin: germline.
Comment: This sequence change replaces arginine, which is basic and polar, with leucine, which is neutral and non-polar, at codon 815 of the LIG4 protein (p.Arg815Leu). This variant is present in population databases (rs574090677, gnomAD 0.002%). This variant has not been reported in the literature in individuals affected with LIG4-related conditions. Algorithms developed to predict the effect of missense changes on protein structure and function (SIFT, PolyPhen-2, Align-GVGD) all suggest that this variant is likely to be tolerated. In summary, the available evidence is currently insufficient to determine the role of this variant in disease. Therefore, it has been classified as a Variant of Uncertain Significance.